The following is an entry in ClinVar:

ClinVar aggregate classification (germline): Likely pathogenic. Review status: criteria provided, single submitter (1 of 4 stars). 2 submissions from 2 submitters: Likely pathogenic (1). 1 of the submissions does not count toward it. Last evaluated 2024-06-07.

Conditions:
Mucopolysaccharidosis, MPS-II (MPS2). Also called: IDS deficiency; Sulfoiduronate sulfatase deficiency; SIDS deficiency; Hunter Syndrome; IDURONATE 2-SULFATASE DEFICIENCY; Mucopolysaccharidosis Type II. Identifiers: Orphanet 580, Orphanet 79388, MedGen C0026705, MONDO:0010674, OMIM 309900.

Submissions (2):

Laboratory of Diagnosis and Therapy of Lysosomal Disorders, University of Padova
Classification: Likely pathogenic for Mucopolysaccharidosis, MPS-II. Last evaluated: 2024-06-07. Review status: criteria provided, single submitter. Criteria: ACMG Guidelines, 2015. Collection method: literature only. Allele origin: germline. Affected: yes. Observed: 2 variant alleles.
Comment: Null variant (PVS1_Strong), Absent from controls (or at low frequency) in gnomAD database (PM2_Moderate), Patient’s phenotype or family history highly specific for the disease (PP4_Moderate)

Classification method: ACMG Guidelines [PMID:25741868] with modifications

Division of Medical Genetics, Department of Pediatrics, All India Institute of Medical Sciences, New Delhi
Classification: Likely pathogenic for Mucopolysaccharidosis, MPS-II. Last evaluated: 2014-04-01. Review status: no assertion criteria provided. Collection method: research. Allele origin: germline. Inheritance: X-linked recessive inheritance. Affected: yes. Observed: 1 variant allele, 1 hemizygote. Not counted in ClinVar's aggregate classification.
Comment: The change c.1442delGinsTC (p.S481Ifs*18) was detected in a family with two affected male sibs with severe phenotypes, hails from the state of Madhya Pradesh, India. Two sibs harbouring this variation had severe phenotypes based on clinical, biochemical and severity scores.

Literature cited by the submitters: PubMed 35144014 (cited by Laboratory of Diagnosis and Therapy of Lysosomal Disorders, University of Padova).

NM_000202.8(IDS):c.1442delinsTC (p.Ser481fs)

Gene: IDS (iduronate 2-sulfatase; minus strand). Cytogenetic location: Xq28.
Variant type: Indel.
Coding change: c.1442delinsTC on transcript NM_000202.8 (MANE Select); coding-DNA position 1442, G replaced by TC.
Protein change: p.Ser481fs; shifts the reading frame from serine 481.
Molecular consequence: frameshift variant.
Genome position (GRCh38, 1-based): chrX:149,482,957, C replaced by GA on the plus strand (G replaced by TC on the coding strand, the reverse complement: IDS is on the minus strand). VCF-style: chrX-149482957-C-GA. GRCh37 (hg19) VCF-style: chrX-148564488-C-GA.
Other names: c.1172delinsTC, p.Ser391fs (NM_001166550.4); c.1442delGinsTC (NM_000202.8); short protein forms S391fs, S481fs.
Identifiers: ClinVar variation 1065198 (VCV001065198.3), dbSNP rs2123994237, ClinGen allele CA2499226409.
Genomic context (GRCh38, chrX:149,482,957, plus strand): 5'-ACAGTATACCTATAGTCTATGGTGCGTATGGAATAGCCCATGATCTTTATATCTTTTAAA[C>GA]TCGGCTTGTCAGAATTCCACTGAGGGATGTCTGAAGGCCGGGGATACTGGCTATAGGCAA-3'